The following is an entry in ClinVar:

NM_000553.6(WRN):c.3388A>G (p.Met1130Val)

Gene: WRN (WRN RecQ like helicase; plus strand). Cytogenetic location: 8p12.
Variant type: single nucleotide variant.
Coding change: c.3388A>G on transcript NM_000553.6 (MANE Select); coding-DNA position 3388, A replaced by G.
Protein change: p.Met1130Val; replaces methionine 1130 with valine.
Molecular consequence: missense variant.
Genome position (GRCh38, 1-based): chr8:31,147,057, A>G. VCF-style: chr8-31147057-A-G. GRCh37 (hg19) VCF-style: chr8-31004573-A-G.
Other names: short protein forms M1130V.
Identifiers: ClinVar variation 1027082 (VCV001027082.3), dbSNP rs532384887, ClinGen allele CA174904590.

ClinVar aggregate classification (germline): Uncertain significance (1 of 4 stars; one submission).

Conditions:
Werner syndrome (WRN). Identifiers: Orphanet 902, MedGen C0043119, MONDO:0010196, OMIM 277700.

Allele frequency attached by ClinVar (database versions not stated): TOPMed below 0.00001; gnomAD 0.00001.

Submission:

Labcorp Genetics (formerly Invitae), Labcorp
Classification: Uncertain significance for Werner syndrome. Last evaluated: 2023-10-05. Review status: criteria provided, single submitter. Criteria: Invitae Variant Classification Sherloc (09022015). Collection method: clinical testing. Allele origin: germline.
Comment: This sequence change replaces methionine, which is neutral and non-polar, with valine, which is neutral and non-polar, at codon 1130 of the WRN protein (p.Met1130Val). This variant is not present in population databases (gnomAD no frequency). This variant has not been reported in the literature in individuals affected with WRN-related conditions. ClinVar contains an entry for this variant (Variation ID: 1027082). Algorithms developed to predict the effect of missense changes on protein structure and function output the following: SIFT: "Not Available"; PolyPhen-2: "Benign"; Align-GVGD: "Not Available". The valine amino acid residue is found in multiple mammalian species, which suggests that this missense change does not adversely affect protein function. In summary, the available evidence is currently insufficient to determine the role of this variant in disease. Therefore, it has been classified as a Variant of Uncertain Significance.